The following is an entry in ClinVar:

NM_033026.6(PCLO):c.2299G>A (p.Val767Ile)

Gene: PCLO (piccolo presynaptic cytomatrix protein; minus strand). Cytogenetic location: 7q21.11.
Variant type: single nucleotide variant.
Coding change: c.2299G>A on transcript NM_033026.6 (MANE Select); coding-DNA position 2299, G replaced by A.
Protein change: p.Val767Ile; replaces valine 767 with isoleucine.
Molecular consequence: missense variant.
Genome position (GRCh38, 1-based): chr7:83,135,251, C>T on the plus strand (G>A on the coding strand, the complement: PCLO is on the minus strand). VCF-style: chr7-83135251-C-T. GRCh37 (hg19) VCF-style: chr7-82764567-C-T.
Other names: c.2299G>A, p.Val767Ile (NM_014510.3); short protein forms V767I.
Identifiers: ClinVar variation 2005261 (VCV002005261.4), dbSNP rs2484838293, ClinGen allele CA367903197.

ClinVar aggregate classification (germline): Uncertain significance (1 of 4 stars; one submission).

Submission:

Labcorp Genetics (formerly Invitae), Labcorp
Classification: Uncertain significance. Last evaluated: 2022-06-12. Review status: criteria provided, single submitter. Criteria: Invitae Variant Classification Sherloc (09022015). Collection method: clinical testing. Allele origin: germline.
Comment: In summary, the available evidence is currently insufficient to determine the role of this variant in disease. Therefore, it has been classified as a Variant of Uncertain Significance. Algorithms developed to predict the effect of missense changes on protein structure and function are either unavailable or do not agree on the potential impact of this missense change (SIFT: "Tolerated"; PolyPhen-2: "Not Available"; Align-GVGD: "Class C0"). This variant has not been reported in the literature in individuals affected with PCLO-related conditions. This variant is not present in population databases (gnomAD no frequency). This sequence change replaces valine, which is neutral and non-polar, with isoleucine, which is neutral and non-polar, at codon 767 of the PCLO protein (p.Val767Ile).